The following is an entry in ClinVar:

ClinVar aggregate classification (germline): Uncertain significance. Review status: criteria provided, multiple submitters, no conflicts (2 of 4 stars). 3 submissions from 3 submitters: Uncertain significance (3). Last evaluated 2025-11-20.

Conditions:
Inborn genetic diseases. Identifiers: MedGen C0950123, MeSH D030342.
Short-rib thoracic dysplasia 11 with or without polydactyly (SRTD11). Also called: SHORT-RIB THORACIC DYSPLASIA 11 WITHOUT POLYDACTYLY. Identifiers: Orphanet 474, Orphanet 93271, MedGen C3810200, MONDO:0014287, OMIM 615633.

Allele frequency attached by ClinVar (database versions not stated): gnomAD exomes below 0.00001 and 0.00001; gnomAD 0.00001; ExAC 0.00001.
gnomAD v4.1: 14 of 1,612,562 alleles (0.00087%); highest among the groups gnomAD compares: South Asian, 0.0011%; no homozygotes.

Submissions (3):

Ambry Genetics
Classification: Uncertain significance for Inborn genetic diseases. Last evaluated: 2025-11-20. Review status: criteria provided, single submitter. Criteria: Ambry Variant Classification Scheme 2023. Collection method: clinical testing. Allele origin: germline.

Labcorp Genetics (formerly Invitae), Labcorp
Classification: Uncertain significance for Short-rib thoracic dysplasia 11 with or without polydactyly. Last evaluated: 2024-01-02. Review status: criteria provided, single submitter. Criteria: Invitae Variant Classification Sherloc (09022015). Collection method: clinical testing. Allele origin: germline.
Comment: This sequence change replaces glutamic acid, which is acidic and polar, with lysine, which is basic and polar, at codon 334 of the WDR34 protein (p.Glu334Lys). This variant is present in population databases (rs772983607, gnomAD 0.002%). This variant has not been reported in the literature in individuals affected with WDR34-related conditions. ClinVar contains an entry for this variant (Variation ID: 1678057). An algorithm developed to predict the effect of missense changes on protein structure and function (PolyPhen-2) suggests that this variant¬†is likely to be tolerated. In summary, the available evidence is currently insufficient to determine the role of this variant in disease. Therefore, it has been classified as a Variant of Uncertain Significance.

AiLife Diagnostics
Classification: Uncertain significance. Last evaluated: 2022-03-24. Review status: criteria provided, single submitter. Criteria: ACMG Guidelines, 2015. Collection method: clinical testing. Allele origin: germline. Affected: yes. Observed: 1 variant allele.

NM_052844.4(DYNC2I2):c.1000G>A (p.Glu334Lys)

Genes: DYNC2I2 (dynein 2 intermediate chain 2; minus strand), LOC126860772 (CDK7 strongly-dependent group 2 enhancer GRCh37_chr9:131396972-131398171; plus strand). Cytogenetic location: 9q34.11.
Variant type: single nucleotide variant.
Coding change: c.1000G>A on transcript NM_052844.4 (MANE Select); coding-DNA position 1000, G replaced by A.
Protein change: p.Glu334Lys; replaces glutamic acid 334 with lysine.
Molecular consequence: missense variant.
Genome position (GRCh38, 1-based): chr9:128,634,903, C>T on the plus strand (G>A on the coding strand, the complement: DYNC2I2 is on the minus strand). VCF-style: chr9-128634903-C-T. GRCh37 (hg19) VCF-style: chr9-131397182-C-T.
Other names: c.1000G>A (NM_052844.3); short protein forms E334K.
Identifiers: ClinVar variation 1678057 (VCV001678057.6), dbSNP rs772983607, ClinGen allele CA5266367.